The following is an entry in ClinVar:

NM_000038.6(APC):c.8395T>C (p.Ser2799Pro)

Gene: APC (APC regulator of Wnt signaling pathway; plus strand). Cytogenetic location: 5q22.2.
Variant type: single nucleotide variant.
Coding change: c.8395T>C on transcript NM_000038.6 (MANE Select); coding-DNA position 8395, T replaced by C.
Protein change: p.Ser2799Pro; replaces serine 2799 with proline.
Molecular consequence: missense variant.
Genome position (GRCh38, 1-based): chr5:112,843,989, T>C. VCF-style: chr5-112843989-T-C. GRCh37 (hg19) VCF-style: chr5-112179686-T-C.
Other names: c.8395T>C, p.Ser2799Pro (NM_001127510.3, NM_001354895.2); c.8341T>C, p.Ser2781Pro (NM_001127511.3); c.8449T>C, p.Ser2817Pro (NM_001354896.2); c.8425T>C, p.Ser2809Pro (NM_001354897.2); c.8320T>C, p.Ser2774Pro (NM_001354898.2); c.8311T>C, p.Ser2771Pro (NM_001354899.2); c.8272T>C, p.Ser2758Pro (NM_001354900.2); c.8218T>C, p.Ser2740Pro (NM_001354901.2); and 5 more; short protein forms S2799P, S2781P, S2639P, S2708P, S2740P, S2771P, S2817P, S2698P.
Identifiers: ClinVar variation 485117 (VCV000485117.25), dbSNP rs906191341, ClinGen allele CA16039553.

ClinVar aggregate classification (germline): Conflicting classifications of pathogenicity. Review status: criteria provided, conflicting classifications (1 of 4 stars). 6 submissions from 6 submitters: Uncertain significance (5); Likely benign (1). Last evaluated 2025-11-15.

Conditions:
APC-related disorder. Also called: APC-related condition.
Classic or attenuated familial adenomatous polyposis. Identifiers: MedGen CN372698, MONDO:0021057.
Hereditary cancer-predisposing syndrome. Also called: Neoplastic Syndromes, Hereditary; Hereditary Cancer Syndrome; Tumor predisposition; Hereditary neoplastic syndrome. Identifiers: Orphanet 140162, MedGen C0027672, MeSH D009386, MONDO:0015356.
Familial adenomatous polyposis 1 (FAP1). Also called: FAMILIAL ADENOMATOUS POLYPOSIS 1, ATTENUATED; POLYPOSIS, ADENOMATOUS INTESTINAL. Identifiers: MedGen C2713442, MONDO:0021056, OMIM 175100. Disease mechanism: loss of function.

gnomAD v4.1: 1 of 1,601,080 alleles (0.000062%); no homozygotes.

Submissions (6):

PreventionGenetics, part of Exact Sciences
Classification: Uncertain significance for APC-related condition. Last evaluated: 2025-11-15. Review status: criteria provided, single submitter. Criteria: ACMG Guidelines, 2015. Collection method: clinical testing. Allele origin: germline.
Comment: The APC c.8395T>C variant is predicted to result in the amino acid substitution p.Ser2799Pro. To our knowledge, this variant has not been reported in the literature or in a large population database (gnomAD), indicating this variant is rare. It has conflicting classifications in ClinVar ranging from likely benign to uncertain (Variation ID: 485117). At this time, the clinical significance of this variant is uncertain due to the absence of conclusive functional and genetic evidence.

Ambry Genetics
Classification: Uncertain significance for Hereditary cancer-predisposing syndrome. Last evaluated: 2025-09-04. Review status: criteria provided, single submitter. Criteria: Ambry Variant Classification Scheme 2023. Collection method: clinical testing. Allele origin: germline.
Comment: The p.S2799P variant (also known as c.8395T>C), located in coding exon 15 of the APC gene, results from a T to C substitution at nucleotide position 8395. The serine at codon 2799 is replaced by proline, an amino acid with similar properties. This amino acid position is well conserved in available vertebrate species. In addition, in silico predictors for this gene do not accurately predict pathogenicity. Since supporting evidence is limited at this time, the clinical significance of this alteration remains unclear.

Labcorp Genetics (formerly Invitae), Labcorp
Classification: Likely benign for Familial adenomatous polyposis 1. Last evaluated: 2025-06-14. Review status: criteria provided, single submitter. Criteria: Invitae Variant Classification Sherloc (09022015). Collection method: clinical testing. Allele origin: germline.

All of Us Research Program, National Institutes of Health
Classification: Uncertain significance for Classic or attenuated familial adenomatous polyposis. Last evaluated: 2024-05-14. Review status: criteria provided, single submitter. Criteria: ACMG Guidelines, 2015. Collection method: clinical testing. Allele origin: germline. Inheritance: Autosomal dominant inheritance. Observed: 1 variant allele, 1 heterozygote.
Comment: This missense variant replaces serine with proline at codon 2799 of the APC protein. Computational prediction suggests that this variant may not impact protein structure and function (internally defined REVEL score threshold <= 0.5, PMID: 27666373). To our knowledge, functional studies have not been reported for this variant. This variant has not been reported in individuals affected with hereditary cancer in the literature. This variant has not been identified in the general population by the Genome Aggregation Database (gnomAD). The available evidence is insufficient to determine the role of this variant in disease conclusively. Therefore, this variant is classified as a Variant of Uncertain Significance.

This study involves interpretation of variants in research participants for the purpose of population health screening. Participant phenotype was not available at the time of variant classification. Additional details can be found in publication PMID: 35346344, PMCID: PMC8962531

Women's Health and Genetics/Laboratory Corporation of America, LabCorp
Classification: Uncertain significance. Last evaluated: 2024-04-08. Review status: criteria provided, single submitter. Criteria: LabCorp Variant Classification Summary - May 2015. Collection method: clinical testing. Allele origin: germline.
Comment: Variant summary: APC c.8395T>C (p.Ser2799Pro) results in a non-conservative amino acid change located in the EB-1 binding domain (IPR009232) of the encoded protein sequence. Three of five in-silico tools predict a damaging effect of the variant on protein function. The variant was absent in 238630 control chromosomes. The available data on variant occurrences in the general population are insufficient to allow any conclusion about variant significance. To our knowledge, no occurrence of c.8395T>C in individuals affected with Familial Adenomatous Polyposis and no experimental evidence demonstrating its impact on protein function have been reported. ClinVar contains an entry for this variant (Variation ID: 485117). Based on the evidence outlined above, the variant was classified as uncertain significance.

Color Diagnostics, LLC DBA Color Health
Classification: Uncertain significance for Hereditary cancer-predisposing syndrome. Last evaluated: 2024-03-06. Review status: criteria provided, single submitter. Criteria: ACMG Guidelines, 2015. Collection method: clinical testing. Allele origin: germline.
Comment: This missense variant replaces serine with proline at codon 2799 of the APC protein. Computational prediction suggests that this variant may not impact protein structure and function (internally defined REVEL score threshold <= 0.5, PMID: 27666373). To our knowledge, functional studies have not been reported for this variant. This variant has not been reported in individuals affected with hereditary cancer in the literature. This variant has not been identified in the general population by the Genome Aggregation Database (gnomAD). The available evidence is insufficient to determine the role of this variant in disease conclusively. Therefore, this variant is classified as a Variant of Uncertain Significance.